The following is an entry in ClinVar:

ClinVar aggregate classification (germline): Uncertain significance (1 of 4 stars; one submission).

Submission:

Women's Health and Genetics/Laboratory Corporation of America, LabCorp
Classification: Uncertain significance. Last evaluated: 2024-10-03. Review status: criteria provided, single submitter. Criteria: LabCorp Variant Classification Summary - May 2015. Collection method: clinical testing. Allele origin: germline.
Comment: Variant summary: HNRNPA2B1 c.593G>T (p.Ser198Ile) results in a non-conservative amino acid change in the encoded protein sequence. Three of five in-silico tools predict a damaging effect of the variant on protein function. The variant allele was found at a frequency of 4e-06 in 251356 control chromosomes. The available data on variant occurrences in the general population are insufficient to allow any conclusion about variant significance. To our knowledge, no occurrence of c.593G>T in individuals affected with HNRNPA2B1-Related Disorders and no experimental evidence demonstrating its impact on protein function have been reported. No submitters have cited clinical-significance assessments for this variant to ClinVar. Based on the evidence outlined above, the variant was classified as uncertain significance.

NM_002137.4(HNRNPA2B1):c.557G>T (p.Ser186Ile)

Gene: HNRNPA2B1 (heterogeneous nuclear ribonucleoprotein A2/B1; minus strand). Cytogenetic location: 7p15.2.
Variant type: single nucleotide variant.
Coding change: c.557G>T on transcript NM_002137.4 (MANE Select); coding-DNA position 557, G replaced by T.
Protein change: p.Ser186Ile; replaces serine 186 with isoleucine.
Molecular consequence: missense variant.
Genome position (GRCh38, 1-based): chr7:26,196,577, C>A on the plus strand (G>T on the coding strand, the complement: HNRNPA2B1 is on the minus strand). VCF-style: chr7-26196577-C-A. GRCh37 (hg19) VCF-style: chr7-26236197-C-A.
Other names: c.593G>T, p.Ser198Ile (NM_031243.4); short protein forms S186I, S198I.
Identifiers: ClinVar variation 3384962 (VCV003384962.1).